The following is an entry in ClinVar:

NM_002474.3(MYH11):c.119C>T (p.Ser40Leu)

Gene: MYH11 (myosin heavy chain 11; minus strand). Cytogenetic location: 16p13.11.
Variant type: single nucleotide variant.
Coding change: c.119C>T on transcript NM_002474.3 (MANE Select); coding-DNA position 119, C replaced by T.
Protein change: p.Ser40Leu; replaces serine 40 with leucine.
Molecular consequence: missense variant.
Genome position (GRCh38, 1-based): chr16:15,838,134, G>A on the plus strand (C>T on the coding strand, the complement: MYH11 is on the minus strand). VCF-style: chr16-15838134-G-A. GRCh37 (hg19) VCF-style: chr16-15931991-G-A.
Other names: c.119C>T, p.Ser40Leu (NM_001040113.2, NM_001040114.2, NM_022844.3); short protein forms S40L.
Identifiers: ClinVar variation 432868 (VCV000432868.19), dbSNP rs775927183, ClinGen allele CA7923116.

ClinVar aggregate classification (germline): Uncertain significance. Review status: criteria provided, multiple submitters, no conflicts (2 of 4 stars). 8 submissions from 8 submitters: Uncertain significance (8). Last evaluated 2025-11-25.

Conditions:
Aortic aneurysm, familial thoracic 4 (AAT4). Also called: AORTIC ANEURYSM/AORTIC DISSECTION AND PATENT DUCTUS ARTERIOSUS. Identifiers: MedGen C1851504, MONDO:0007568, OMIM 132900.
Visceral myopathy 2. Identifiers: MedGen C5543466, MONDO:0859157, OMIM 619350.
Megacystis-microcolon-intestinal hypoperistalsis syndrome 2. Identifiers: MedGen C5543476, MONDO:0025708, OMIM 619351.
Familial thoracic aortic aneurysm and aortic dissection (TAAD). Also called: Thoracic aortic aneurysms and dissections. Identifiers: Orphanet 91387, MedGen C4707243, MONDO:0019625.

Allele frequency attached by ClinVar (database versions not stated): ExAC 0.00001; gnomAD 0.00001; gnomAD exomes 0.00001 and 0.00002; TOPMed 0.00001.
gnomAD v4.1: 18 of 1,613,976 alleles (0.0011%); highest among the groups gnomAD compares: Admixed American, 0.0017%; no homozygotes.

Submissions (8):

Labcorp Genetics (formerly Invitae), Labcorp
Classification: Uncertain significance for Aortic aneurysm, familial thoracic 4. Last evaluated: 2025-11-25. Review status: criteria provided, single submitter. Criteria: Invitae Variant Classification Sherloc (09022015). Collection method: clinical testing. Allele origin: germline.
Comment: This sequence change replaces serine, which is neutral and polar, with leucine, which is neutral and non-polar, at codon 40 of the MYH11 protein (p.Ser40Leu). This variant is present in population databases (rs775927183, gnomAD 0.004%). This missense change has been observed in individual(s) with clinical features of MYH11-related conditions (internal data). ClinVar contains an entry for this variant (Variation ID: 432868). Invitae Evidence Modeling of protein sequence and biophysical properties (such as structural, functional, and spatial information, amino acid conservation, physicochemical variation, residue mobility, and thermodynamic stability) indicates that this missense variant is not expected to disrupt MYH11 protein function with a negative predictive value of 95%. In summary, the available evidence is currently insufficient to determine the role of this variant in disease. Therefore, it has been classified as a Variant of Uncertain Significance.

ARUP Laboratories, Molecular Genetics and Genomics, ARUP Laboratories
Classification: Uncertain significance. Last evaluated: 2025-06-26. Review status: criteria provided, single submitter. Criteria: ARUP Molecular Germline Variant Investigation Process 2024. Collection method: clinical testing. Allele origin: germline.
Comment: The MYH11 c.119C>T; p.Ser40Leu variant (rs775927183), to our knowledge, is not reported in the medical literature but is reported in ClinVar (Variation ID: 432868). This variant is only observed on six alleles in the Genome Aggregation Database (v2.1.1), indicating it is not a common polymorphism. Computational analyses predict that this variant is deleterious (REVEL: 0.844). Due to limited information, the clinical significance of this variant is uncertain at this time.

Color Diagnostics, LLC DBA Color Health
Classification: Uncertain significance for Familial thoracic aortic aneurysm and aortic dissection. Last evaluated: 2025-06-11. Review status: criteria provided, single submitter. Criteria: ACMG Guidelines, 2015. Collection method: clinical testing. Allele origin: germline.
Comment: This missense variant replaces serine with leucine at codon 40 of the MYH11 protein. Computational prediction suggests that this variant may have a deleterious impact on protein structure and function. To our knowledge, functional studies have not been reported for this variant. This variant has not been reported in individuals affected with MYH11-related disorders in the literature. This variant has been identified in 6/250826 chromosomes in the general population by the Genome Aggregation Database (gnomAD). The available evidence is insufficient to determine the role of this variant in disease conclusively. Therefore, this variant is classified as a Variant of Uncertain Significance.

Women's Health and Genetics/Laboratory Corporation of America, LabCorp
Classification: Uncertain significance. Last evaluated: 2024-08-27. Review status: criteria provided, single submitter. Criteria: LabCorp Variant Classification Summary - May 2015. Collection method: clinical testing. Allele origin: germline.

All of Us Research Program, National Institutes of Health
Classification: Uncertain significance for Familial thoracic aortic aneurysm and aortic dissection. Last evaluated: 2024-04-25. Review status: criteria provided, single submitter. Criteria: ACMG Guidelines, 2015. Collection method: clinical testing. Allele origin: germline. Inheritance: Autosomal dominant inheritance. Observed: 4 variant alleles, 4 heterozygotes.
Comment: Variant of Uncertain Significance due to insufficient evidence: This missense variant is located in the N-terminal SH3-like domain of the MYH11 protein. Computational prediction tools and conservation analyses suggest that this variant may have deleterious impact on the protein function. Computational splicing tools suggest that this variant may not impact RNA splicing. To our knowledge, functional assays have not been performed for this variant nor has this variant been reported in individuals affected with cardiovascular disorders in the literature. This variant has been identified in 5/245588 chromosomes in the general population by the Genome Aggregation Database (gnomAD). Available evidence is insufficient to determine the pathogenicity of this variant conclusively.

This study involves interpretation of variants in research participants for the purpose of population health screening. Participant phenotype was not available at the time of variant classification. Additional details can be found in publication PMID: 35346344, PMCID: PMC8962531

Ambry Genetics
Classification: Uncertain significance for Familial thoracic aortic aneurysm and aortic dissection. Last evaluated: 2023-01-03. Review status: criteria provided, single submitter. Criteria: Ambry Variant Classification Scheme 2023. Collection method: clinical testing. Allele origin: germline.
Comment: The p.S40L variant (also known as c.119C>T), located in coding exon 1 of the MYH11 gene, results from a C to T substitution at nucleotide position 119. The serine at codon 40 is replaced by leucine, an amino acid with dissimilar properties. This amino acid position is highly conserved in available vertebrate species. In addition, this alteration is predicted to be deleterious by in silico analysis. Since supporting evidence is limited at this time, the clinical significance of this alteration remains unclear.

Fulgent Genetics
Classification: Uncertain significance for Aortic aneurysm, familial thoracic 4; Visceral myopathy 2; Megacystis-microcolon-intestinal hypoperistalsis syndrome 2. Last evaluated: 2021-08-24. Review status: criteria provided, single submitter. Criteria: ACMG Guidelines, 2015. Collection method: clinical testing. Allele origin: unknown.

GeneDx
Classification: Uncertain significance. Last evaluated: 2017-06-15. Review status: criteria provided, single submitter. Criteria: GeneDx Variant Classification (06012015). Collection method: clinical testing. Allele origin: germline. Affected: yes.
Comment: A variant of uncertain significance has been identified in the MYH11 gene. The S40L variant has not been published as pathogenic or been reported as benign to our knowledge. This variant is also not observed at a significant frequency in large population cohorts (Lek et al., 2016; 1000 Genomes Consortium et al., 2015; Exome Variant Server). The S40L variant is a non-conservative amino acid substitution, which is likely to impact secondary protein structure as these residues differ in polarity, charge, size and/or other properties. Additionally, this substitution occurs at a position that is conserved across species and in silico analysis predicts this variant is probably damaging to the protein structure/function. Nevertheless, this variant has not been observed in a significant number of affected individuals and it lacks both segregation and functional studies which would further clarify its pathogenicity.